The following is an entry in ClinVar:

NM_001909.5(CTSD):c.1183A>G (p.Thr395Ala)

Gene: CTSD (cathepsin D; minus strand). Cytogenetic location: 11p15.5.
Variant type: single nucleotide variant.
Coding change: c.1183A>G on transcript NM_001909.5 (MANE Select); coding-DNA position 1183, A replaced by G.
Protein change: p.Thr395Ala; replaces threonine 395 with alanine.
Molecular consequence: missense variant.
Genome position (GRCh38, 1-based): chr11:1,753,559, T>C on the plus strand (A>G on the coding strand, the complement: CTSD is on the minus strand). VCF-style: chr11-1753559-T-C. GRCh37 (hg19) VCF-style: chr11-1774789-T-C.
Other names: short protein forms T395A.
Identifiers: ClinVar variation 579889 (VCV000579889.10), dbSNP rs778724059, ClinGen allele CA5813878.

ClinVar aggregate classification (germline): Uncertain significance. Review status: criteria provided, multiple submitters, no conflicts (2 of 4 stars). 2 submissions from 2 submitters: Uncertain significance (2). Last evaluated 2022-04-25.

Conditions:
Neuronal ceroid lipofuscinosis. Also called: Neuronal Ceroid Lipofuscinoses. Identifiers: Orphanet 216, Orphanet 79263, MedGen C0027877, MONDO:0016295. Disease mechanism: loss of function.
Neuronal ceroid lipofuscinosis 10 (CLN10). Also called: CTSD-Related Neuronal Ceroid-Lipofuscinosis; NEURONAL CEROID LIPOFUSCINOSIS DUE TO CATHEPSIN D DEFICIENCY. Identifiers: Orphanet 228337, MedGen C1864669, MONDO:0012414, OMIM 610127.

Allele frequency attached by ClinVar (database versions not stated): gnomAD 0.00003 and 0.00004; gnomAD exomes 0.00003; TOPMed 0.00003; ExAC 0.00004.

Submissions (2):

Labcorp Genetics (formerly Invitae), Labcorp
Classification: Uncertain significance for Neuronal ceroid lipofuscinosis. Last evaluated: 2022-04-25. Review status: criteria provided, single submitter. Criteria: Invitae Variant Classification Sherloc (09022015). Collection method: clinical testing. Allele origin: germline.
Comment: This sequence change replaces threonine, which is neutral and polar, with alanine, which is neutral and non-polar, at codon 395 of the CTSD protein (p.Thr395Ala). This variant is present in population databases (rs778724059, gnomAD 0.006%). This variant has not been reported in the literature in individuals affected with CTSD-related conditions. ClinVar contains an entry for this variant (Variation ID: 579889). Algorithms developed to predict the effect of missense changes on protein structure and function output the following: SIFT: "Tolerated"; PolyPhen-2: "Benign"; Align-GVGD: "Class C0". The alanine amino acid residue is found in multiple mammalian species, which suggests that this missense change does not adversely affect protein function. In summary, the available evidence is currently insufficient to determine the role of this variant in disease. Therefore, it has been classified as a Variant of Uncertain Significance.

Center for Genomics, Ann and Robert H. Lurie Children's Hospital of Chicago
Classification: Uncertain significance for Neuronal ceroid lipofuscinosis 10. Last evaluated: 2021-11-11. Review status: criteria provided, single submitter. Criteria: ACMG Guidelines, 2015. Collection method: clinical testing. Allele origin: germline.
Comment: CTSD NM_001909.4 exon 9 p.Thr395Ala (c.1183A>G): This variant has not been reported in the literature, but is present in 7/126188 European alleles in the Genome Aggregation Database. This variant amino acid Alanine (Ala) is present in 7 species and is not well conserved among evolutionarily distant species; this suggests that this variant may not impact the protein. Additional computational prediction tools are unclear. In summary, data on this variant is insufficient for disease classification. Therefore, the clinical significance of this variant is uncertain.